The following is an entry in ClinVar:

NM_182931.3(KMT2E):c.5048_5083del (p.Pro1683_Pro1694del)

Gene: KMT2E (lysine methyltransferase 2E (inactive); plus strand). Cytogenetic location: 7q22.3.
Variant type: Deletion.
Coding change: c.5048_5083del on transcript NM_182931.3 (MANE Select); coding-DNA positions 5048 to 5083, 36 bases deleted.
Protein change: p.Pro1683_Pro1694del.
Molecular consequence: inframe deletion. On other transcripts: inframe indel (1).
Genome position (GRCh38, 1-based): chr7:105,112,804-105,112,839, 36 bases deleted; deleting any 36 consecutive bases within chr7:105,112,797-105,112,839 gives the same sequence; the c. name uses the placement nearest the transcript's 3' end. GRCh37 (hg19): chr7:104,753,251-104,753,286.
Other names: c.4922_4957del36, p.Pro1641_Pro1652del (NM_001410908.1); c.5048_5083del, p.Pro1683_Pro1694del (NM_018682.4).
Identifiers: ClinVar variation 2068928 (VCV002068928.4), dbSNP rs2536527391, ClinGen allele CA2580076105.
Genomic context (GRCh38, chr7:105,112,796, plus strand): 5'-TGCGGTCACCCCTGGGTCGCATATTCATTCTCAAACTGCTGGACACCACTTACCCCCACC[CCCACCCCCTCCTGGTCCTGCCCCTCATCACCATCCA>C]CCACCCCATCCATCCACAGGACTCCAAGGTCTACAAGCACAACACCAGCATGTTGTAAAT-3'

ClinVar aggregate classification (germline): Likely pathogenic (1 of 4 stars; one submission).

Submission:

Labcorp Genetics (formerly Invitae), Labcorp
Classification: Likely pathogenic. Last evaluated: 2023-04-24. Review status: criteria provided, single submitter. Criteria: Invitae Variant Classification Sherloc (09022015). Collection method: clinical testing. Allele origin: germline.
Comment: Experimental studies and prediction algorithms are not available or were not evaluated, and the functional significance of this variant is currently unknown. In summary, the currently available evidence indicates that the variant is pathogenic, but additional data are needed to prove that conclusively. Therefore, this variant has been classified as Likely Pathogenic. ClinVar contains an entry for this variant (Variation ID: 2068928). This variant has been observed in individual(s) with clinical features of KMT2E-related condition (Invitae). In at least one individual the variant was observed to be de novo. This variant is not present in population databases (gnomAD no frequency). This variant, c.5048_5083del, results in the deletion of 12 amino acid(s) of the KMT2E protein (p.Pro1683_Pro1694del), but otherwise preserves the integrity of the reading frame.